The following is an entry in ClinVar:

NM_000548.5(TSC2):c.2916C>A (p.Ala972=)

Gene: TSC2 (TSC complex subunit 2; plus strand). Cytogenetic location: 16p13.3.
Variant type: single nucleotide variant.
Coding change: c.2916C>A on transcript NM_000548.5 (MANE Select); coding-DNA position 2916, C replaced by A.
Protein change: p.Ala972=; no amino-acid change (alanine 972 retained).
Molecular consequence: synonymous variant. On other transcripts: intron variant (9).
Genome position (GRCh38, 1-based): chr16:2,077,676, C>A. VCF-style: chr16-2077676-C-A. GRCh37 (hg19) VCF-style: chr16-2127677-C-A.
Other names: c.2916C>A, p.Ala972= (NM_001114382.3); c.2837+1091C>A (NM_021055.3, NM_001370405.1, NM_001363528.2 and 2 more transcripts); c.2726+1091C>A (NM_001318827.2); c.2237+1091C>A (NM_001318831.2); c.2690+1091C>A (NM_001318829.2); c.2870+1091C>A (NM_001318832.2); c.2916C>A (NM_000548.4).
Identifiers: ClinVar variation 413688 (VCV000413688.44), dbSNP rs751474097, ClinGen allele CA042700.

ClinVar aggregate classification (germline): Benign/Likely benign. Review status: criteria provided, multiple submitters, no conflicts (2 of 4 stars). 9 submissions from 9 submitters: Benign (3); Likely benign (6). Last evaluated 2026-04-26.

Conditions:
TSC2-related disorder. Also called: TSC2-Related Disorders; TSC2-related condition.
Hereditary cancer-predisposing syndrome. Also called: Tumor predisposition; Hereditary neoplastic syndrome; Hereditary Cancer Syndrome; Neoplastic Syndromes, Hereditary. Identifiers: Orphanet 140162, MedGen C0027672, MeSH D009386, MONDO:0015356.
Tuberous sclerosis syndrome (TSC). Also called: Tuberous Sclerosis Complex; Tuberous sclerosis. Identifiers: Orphanet 805, MedGen C0041341, MONDO:0001734.
Tuberous sclerosis 2 (TSC2). Identifiers: Orphanet 805, MedGen C1860707, MONDO:0013199, OMIM 613254.

Allele frequency attached by ClinVar (database versions not stated): gnomAD 0.00002; TOPMed 0.00002.
gnomAD v4.1: 14 of 1,612,964 alleles (0.00087%); highest among the groups gnomAD compares: Admixed American, 0.0017%; no homozygotes.

Submissions (9):

PreventionGenetics, part of Exact Sciences
Classification: Likely benign for TSC2-related condition. Last evaluated: 2026-04-26. Review status: criteria provided, single submitter. Criteria: ACMG Guidelines, 2015. Collection method: clinical testing. Allele origin: germline.
Comment: This variant is classified as likely benign based on ACMG/AMP sequence variant interpretation guidelines (Richards et al. 2015 PMID: 25741868, with internal and published modifications).

Labcorp Genetics (formerly Invitae), Labcorp
Classification: Likely benign for Tuberous sclerosis 2. Last evaluated: 2026-01-13. Review status: criteria provided, single submitter. Criteria: Invitae Variant Classification Sherloc (09022015). Collection method: clinical testing. Allele origin: germline.

Myriad Genetics, Inc.
Classification: Benign for Tuberous sclerosis 2. Last evaluated: 2025-05-27. Review status: criteria provided, single submitter. Criteria: Myriad Autosomal Dominant, Autosomal Recessive and X-Linked Classification Criteria (2023). Collection method: clinical testing. Allele origin: unknown.
Comment: This variant is considered benign. This variant is a silent/synonymous amino acid change and it is not expected to impact splicing.

KCCC/NGS Laboratory, Kuwait Cancer Control Center
Classification: Benign for Tuberous sclerosis 2. Last evaluated: 2025-02-01. Review status: criteria provided, single submitter. Criteria: ACMG Guidelines, 2015. Collection method: clinical testing. Allele origin: germline. Affected: no.

CeGaT Center for Human Genetics Tuebingen
Classification: Likely benign. Last evaluated: 2024-01-01. Review status: criteria provided, single submitter. Criteria: CeGaT Center For Human Genetics Tuebingen Variant Classification Criteria Version 2. Collection method: clinical testing. Allele origin: germline. Affected: yes. Observed: 1 variant allele.
Comment: TSC2: BP4, BP7

Color Diagnostics, LLC DBA Color Health
Classification: Likely benign for Tuberous sclerosis syndrome. Last evaluated: 2022-09-28. Review status: criteria provided, single submitter. Criteria: ACMG Guidelines, 2015. Collection method: clinical testing. Allele origin: germline.

Sema4
Classification: Likely benign for Hereditary cancer-predisposing syndrome. Last evaluated: 2021-11-22. Review status: criteria provided, single submitter. Criteria: Sema4 Curation Guidelines. Collection method: curation. Allele origin: germline.

Genome-Nilou Lab
Classification: Benign for Tuberous sclerosis 2. Last evaluated: 2021-11-07. Review status: criteria provided, single submitter. Criteria: ACMG Guidelines, 2015. Collection method: clinical testing. Allele origin: germline. Affected: no.

Ambry Genetics
Classification: Likely benign for Hereditary cancer-predisposing syndrome. Last evaluated: 2019-02-08. Review status: criteria provided, single submitter. Criteria: Ambry Variant Classification Scheme 2023. Collection method: clinical testing. Allele origin: germline.